The following is an entry in ClinVar:

ClinVar aggregate classification (germline): Uncertain significance (1 of 4 stars; one submission).

Conditions:
Familial cancer of breast. Also called: BREAST CANCER, FAMILIAL; hereditary breast carcinoma; Hereditary breast cancer. Identifiers: Orphanet 227535, MedGen C0346153, MONDO:0016419, OMIM 114480. Disease mechanism: loss of function.
Fanconi anemia complementation group J. Also called: BRIP1-Related Fanconi Anemia. Identifiers: Orphanet 84, MedGen C1836860, MONDO:0012187, OMIM 609054.

Submission:

Labcorp Genetics (formerly Invitae), Labcorp
Classification: Uncertain significance for Familial cancer of breast; Fanconi anemia complementation group J. Last evaluated: 2023-11-02. Review status: criteria provided, single submitter. Criteria: Invitae Variant Classification Sherloc (09022015). Collection method: clinical testing. Allele origin: germline.
Comment: This variant results in a copy number gain of the genomic region encompassing exon(s) 2-9 of the BRIP1 gene. This region includes the initiator codon of the gene. This copy number gain extends beyond the assayed region for this gene and therefore may encompass additional genes. As the precise location of this event is unknown, it may be in tandem or it may be located elsewhere in the genome. This variant has not been reported in the literature in individuals affected with BRIP1-related conditions. Experimental studies and prediction algorithms are not available or were not evaluated, and the functional significance of this variant is currently unknown. In summary, the available evidence is currently insufficient to determine the role of this variant in disease. Therefore, it has been classified as a Variant of Uncertain Significance.

NC_000017.11:g.(?_61799090)_(61861539_?)dup

Gene: BRIP1 (BRCA1 interacting DNA helicase 1; minus strand). Cytogenetic location: 17q23.2.
Variant type: Duplication.
Identifiers: ClinVar variation 832625 (VCV000832625.4).